The following is an entry in ClinVar:

NM_138701.4(MPLKIP):c.430A>G (p.Met144Val)

Gene: MPLKIP (M-phase specific PLK1 interacting protein; minus strand). Cytogenetic location: 7p14.1.
Variant type: single nucleotide variant.
Coding change: c.430A>G on transcript NM_138701.4 (MANE Select); coding-DNA position 430, A replaced by G.
Protein change: p.Met144Val; replaces methionine 144 with valine.
Molecular consequence: missense variant.
Genome position (GRCh38, 1-based): chr7:40,133,169, T>C on the plus strand (A>G on the coding strand, the complement: MPLKIP is on the minus strand). VCF-style: chr7-40133169-T-C. GRCh37 (hg19) VCF-style: chr7-40172768-T-C.
Other names: c.430A>G (NM_138701.3); short protein forms M144V.
Identifiers: ClinVar variation 1844 (VCV000001844.6), dbSNP rs137853117, ClinGen allele CA115222.

ClinVar aggregate classification (germline): Pathogenic/Likely pathogenic. Review status: criteria provided, multiple submitters, no conflicts (2 of 4 stars). 3 submissions from 3 submitters: Pathogenic (1); Likely pathogenic (1). 1 of the submissions does not count toward it. Last evaluated 2025-12-01.

Conditions:
Trichothiodystrophy 4, nonphotosensitive. Also called: AMISH BRITTLE HAIR BRAIN SYNDROME; BIDS SYNDROME; Trichothiodystrophy nonphotosensitive; HAIR-BRAIN SYNDROME. Identifiers: MedGen C1313961, MONDO:0021013, OMIM 234050.

Allele frequency attached by ClinVar (database versions not stated): gnomAD 0.00001; gnomAD exomes 0.00001 and 0.00003; ExAC 0.00002; TOPMed 0.00002.

Submissions (3):

Labcorp Genetics (formerly Invitae), Labcorp
Classification: Pathogenic. Last evaluated: 2025-12-01. Review status: criteria provided, single submitter. Criteria: Invitae Variant Classification Sherloc (09022015). Collection method: clinical testing. Allele origin: germline.
Comment: This sequence change replaces methionine, which is neutral and non-polar, with valine, which is neutral and non-polar, at codon 144 of the MPLKIP protein (p.Met144Val). This variant is present in population databases (rs137853117, gnomAD 0.006%). This missense change has been observed in individual(s) with autosomal recessive non-photosensitive trichothiodystrophy (PMID: 15645389). It has also been observed to segregate with disease in related individuals. ClinVar contains an entry for this variant (Variation ID: 1844). An algorithm developed to predict the effect of missense changes on protein structure and function (PolyPhen-2) suggests that this variant is likely to be tolerated. For these reasons, this variant has been classified as Pathogenic.

GeneDx
Classification: Likely pathogenic. Last evaluated: 2024-06-12. Review status: criteria provided, single submitter. Criteria: GeneDx Variant Classification Process June 2021. Collection method: clinical testing. Allele origin: germline. Affected: yes.
Comment: In silico analysis indicates that this missense variant does not alter protein structure/function; This variant is associated with the following publications: (PMID: 25290684, 33729667, 31028937, 15645389, 4847854, 37369199)

OMIM
Classification: Pathogenic for TRICHOTHIODYSTROPHY 4, NONPHOTOSENSITIVE. Last evaluated: 2005-03-01. Review status: no assertion criteria provided. Collection method: literature only. Allele origin: germline. Not counted in ClinVar's aggregate classification.

Literature cited by the submitters: PubMed 15645389 (cited by Labcorp Genetics (formerly Invitae), Labcorp and OMIM); PubMed 4847854 (cited by OMIM).